The following is an entry in ClinVar:

NM_002929.3(GRK1):c.55C>T (p.Arg19Ter)

Gene: GRK1 (G protein-coupled receptor kinase 1; plus strand). Cytogenetic location: 13q34.
Variant type: single nucleotide variant.
Coding change: c.55C>T on transcript NM_002929.3 (MANE Select); coding-DNA position 55, C replaced by T.
Protein change: p.Arg19Ter; replaces arginine 19 with a stop codon.
Molecular consequence: nonsense.
Genome position (GRCh38, 1-based): chr13:113,667,441, C>T. VCF-style: chr13-113667441-C-T. GRCh37 (hg19) VCF-style: chr13-114321756-C-T.
Other names: short protein forms R19*.
Identifiers: ClinVar variation 870441 (VCV000870441.4), dbSNP rs370713047, ClinGen allele CA7066021.

ClinVar aggregate classification (germline): Likely pathogenic. Review status: criteria provided, single submitter (1 of 4 stars). 2 submissions from 2 submitters: Likely pathogenic (1). 1 of the submissions does not count toward it.

Conditions:
Oguchi disease-2. Also called: NIGHT BLINDNESS, CONGENITAL STATIONARY, OGUCHI TYPE 2. Identifiers: Orphanet 75382, MedGen C3150678, MONDO:0013259, OMIM 613411.

Allele frequency attached by ClinVar (database versions not stated): gnomAD below 0.00001 and 0.00002; TOPMed below 0.00001; gnomAD exomes 0.00007; ESP Exome Variant Server 0.00008; ExAC 0.00012.
gnomAD v4.1: 43 of 1,605,968 alleles (0.0027%); highest among the groups gnomAD compares: South Asian, 0.042%; 1 homozygote.

Submissions (2):

Neuberg Centre For Genomic Medicine, NCGM
Classification: Likely pathogenic for Oguchi disease-2. Review status: criteria provided, single submitter. Criteria: ACMG Guidelines, 2015. Collection method: clinical testing. Allele origin: germline. Inheritance: Autosomal recessive inheritance. Affected: yes.
Comment: The observed stop gained variant c.55C>T(p.Arg19Ter) in GRK1 gene has been reported previously in homozygous, compound heterozygous state in individuals with Oguchi disease and Retinal Dystrophies (Wei X, et al., 2023, Li L, et al., 2017). The c.55C>T(p.Arg19Ter) variant has 0.01% allele frequency in gnomAD Exomes. This variant has been submitted to the ClinVar database as Likely Pathogenic. Computational evidence (Mutation Taster - Disease causing) predicts damaging effect on protein structure and function for this variant. This variant is predicted to cause loss of normal protein function through protein truncation. Loss of function variants have been previously reported to be disease causing (Cideciyan AV, et al., 1998). For these reasons, this variant has been classified as Likely Pathogenic.

Leeds Institute of Medical Research, University of Leeds
Classification: Likely pathogenic for Oguchi disease-2. Last evaluated: 2019-12-19. Review status: no assertion criteria provided. Collection method: research. Allele origin: inherited. Inheritance: Autosomal recessive inheritance. Affected: yes. Not counted in ClinVar's aggregate classification.

Literature cited by the submitters: PubMed 28418496 (cited by Leeds Institute of Medical Research, University of Leeds).